The following is an entry in ClinVar:

ClinVar aggregate classification (germline): Likely benign (1 of 4 stars; one submission).

gnomAD v4.1: 22 of 1,612,816 alleles (0.0014%); highest among the groups gnomAD compares: South Asian, 0.0066%; no homozygotes.

Submission:

CeGaT Center for Human Genetics Tuebingen
Classification: Likely benign. Last evaluated: 2025-04-01. Review status: criteria provided, single submitter. Criteria: CeGaT Center For Human Genetics Tuebingen Variant Classification Criteria Version 2. Collection method: clinical testing. Allele origin: germline. Affected: yes. Observed: 1 variant allele.
Comment: KDM6B: BP4, BP7

NM_001348716.2(KDM6B):c.3261C>T (p.Ala1087=)

Gene: KDM6B (lysine demethylase 6B; plus strand). Cytogenetic location: 17p13.1.
Variant type: single nucleotide variant.
Coding change: c.3261C>T on transcript NM_001348716.2 (MANE Select); coding-DNA position 3261, C replaced by T.
Protein change: p.Ala1087=; no amino-acid change (alanine 1087 retained).
Molecular consequence: synonymous variant.
Genome position (GRCh38, 1-based): chr17:7,849,549, C>T. VCF-style: chr17-7849549-C-T. GRCh37 (hg19) VCF-style: chr17-7752867-C-T.
Other names: c.3261C>T, p.Ala1087= (NM_001080424.2).
Identifiers: ClinVar variation 3898304 (VCV003898304.7).